The following is an entry in ClinVar:

NM_001134407.3(GRIN2A):c.1382T>C (p.Ile461Thr)

Gene: GRIN2A (glutamate ionotropic receptor NMDA type subunit 2A; minus strand). Cytogenetic location: 16p13.2.
Variant type: single nucleotide variant.
Coding change: c.1382T>C on transcript NM_001134407.3 (MANE Select); coding-DNA position 1382, T replaced by C.
Protein change: p.Ile461Thr; replaces isoleucine 461 with threonine.
Molecular consequence: missense variant.
Genome position (GRCh38, 1-based): chr16:9,841,051, A>G on the plus strand (T>C on the coding strand, the complement: GRIN2A is on the minus strand). VCF-style: chr16-9841051-A-G. GRCh37 (hg19) VCF-style: chr16-9934908-A-G.
Other names: c.1382T>C, p.Ile461Thr (NM_000833.5, NM_001134408.2); short protein forms I461T.
Identifiers: ClinVar variation 1196101 (VCV001196101.8), dbSNP rs1567337914, ClinGen allele CA394800773.

ClinVar aggregate classification (germline): Uncertain significance. Review status: criteria provided, multiple submitters, no conflicts (2 of 4 stars). 3 submissions from 3 submitters: Uncertain significance (3). Last evaluated 2026-01-17.

Conditions:
Inborn genetic diseases. Identifiers: MedGen C0950123, MeSH D030342.
Landau-Kleffner syndrome (FESD). Also called: EPILEPSY, FOCAL, WITH SPEECH DISORDER AND WITH OR WITHOUT MENTAL RETARDATION; APHASIA, ACQUIRED, WITH EPILEPSY. Identifiers: Orphanet 1945, Orphanet 725, Orphanet 98818, MedGen C0282512, MONDO:0009509, OMIM 245570.

Submissions (3):

GeneDx
Classification: Uncertain significance. Last evaluated: 2026-01-17. Review status: criteria provided, single submitter. Criteria: GeneDx Variant Classification Process June 2021. Collection method: clinical testing. Allele origin: germline. Affected: yes.
Comment: Not observed at significant frequency in large population cohorts (gnomAD); In silico analysis supports that this missense variant has a deleterious effect on protein structure/function; Has not been previously published as pathogenic or benign to our knowledge; This variant is associated with the following publications: (PMID: 27839871)

Labcorp Genetics (formerly Invitae), Labcorp
Classification: Uncertain significance for Landau-Kleffner syndrome. Last evaluated: 2021-08-14. Review status: criteria provided, single submitter. Criteria: Invitae Variant Classification Sherloc (09022015). Collection method: clinical testing. Allele origin: germline.

Ambry Genetics
Classification: Uncertain significance for Inborn genetic diseases. Last evaluated: 2018-06-19. Review status: criteria provided, single submitter. Criteria: Ambry Variant Classification Scheme 2023. Collection method: clinical testing. Allele origin: germline.
Comment: The p.I461T variant (also known as c.1382T>C), located in coding exon 5 of the GRIN2A gene, results from a T to C substitution at nucleotide position 1382. The isoleucine at codon 461 is replaced by threonine, an amino acid with similar properties. This amino acid position is highly conserved in available vertebrate species. In addition, this alteration is predicted to be deleterious by in silico analysis. Since supporting evidence is limited at this time, the clinical significance of this alteration remains unclear.